The following is an entry in ClinVar:

ClinVar aggregate classification (germline): Uncertain significance (1 of 4 stars; one submission).

Allele frequency attached by ClinVar (database versions not stated): ExAC 0.00002; 1000 Genomes Project 30x 0.00016; 1000 Genomes Project 0.00020.
gnomAD v4.1: 12 of 1,613,292 alleles (0.00074%); highest among the groups gnomAD compares: South Asian, 0.0022%; no homozygotes.

Submission:

Labcorp Genetics (formerly Invitae), Labcorp
Classification: Uncertain significance. Last evaluated: 2024-02-23. Review status: criteria provided, single submitter. Criteria: Invitae Variant Classification Sherloc (09022015). Collection method: clinical testing. Allele origin: germline.
Comment: This sequence change replaces asparagine, which is neutral and polar, with serine, which is neutral and polar, at codon 469 of the MYSM1 protein (p.Asn469Ser). This variant is present in population databases (rs549795162, gnomAD 0.01%). This variant has not been reported in the literature in individuals affected with MYSM1-related conditions. ClinVar contains an entry for this variant (Variation ID: 2195009). Advanced modeling of protein sequence and biophysical properties (such as structural, functional, and spatial information, amino acid conservation, physicochemical variation, residue mobility, and thermodynamic stability) performed at Invitae indicates that this missense variant is not expected to disrupt MYSM1 protein function with a negative predictive value of 80%. In summary, the available evidence is currently insufficient to determine the role of this variant in disease. Therefore, it has been classified as a Variant of Uncertain Significance.

NM_001085487.3(MYSM1):c.1406A>G (p.Asn469Ser)

Gene: MYSM1 (Myb like, SWIRM and MPN domains 1; minus strand). Cytogenetic location: 1p32.1.
Variant type: single nucleotide variant.
Coding change: c.1406A>G on transcript NM_001085487.3 (MANE Select); coding-DNA position 1406, A replaced by G.
Protein change: p.Asn469Ser; replaces asparagine 469 with serine.
Molecular consequence: missense variant.
Genome position (GRCh38, 1-based): chr1:58,675,565, T>C on the plus strand (A>G on the coding strand, the complement: MYSM1 is on the minus strand). VCF-style: chr1-58675565-T-C. GRCh37 (hg19) VCF-style: chr1-59141237-T-C.
Other names: short protein forms N469S.
Identifiers: ClinVar variation 2195009 (VCV002195009.4), dbSNP rs549795162, ClinGen allele CA877817.
Genomic context (GRCh38, chr1:58,675,565, plus strand): 5'-TATGCTTCTACTGCATCTTTTCTGTCTCTGATTCGTACTTTGTCAACTGTTTGTGGCCTA[T>C]TATACACAGCCTGTTCTATTGGAATTCAGGAAAGATAAAACCATCTATTATTTTGTGAAA-3'
Protein context (NP_001078956.1, residues 459-479): INFGCEQAVY[Asn469Ser]RPQTVDKVRI